The following is an entry in ClinVar:

NM_002693.3(POLG):c.402C>G (p.Asn134Lys)

Genes: POLG (DNA polymerase gamma, catalytic subunit; minus strand), POLGARF (POLG alternative reading frame; minus strand). Cytogenetic location: 15q26.1.
Variant type: single nucleotide variant.
Coding change: c.402C>G on transcript NM_002693.3 (MANE Select); coding-DNA position 402, C replaced by G.
Protein change: p.Asn134Lys; replaces asparagine 134 with lysine.
Molecular consequence: missense variant.
Genome position (GRCh38, 1-based): chr15:89,333,353, G>C on the plus strand (C>G on the coding strand, the complement: POLG is on the minus strand). VCF-style: chr15-89333353-G-C. GRCh37 (hg19) VCF-style: chr15-89876584-G-C.
Other names: c.402C>G, p.Asn134Lys (NM_001126131.2); short protein forms N134K.
Identifiers: ClinVar variation 966409 (VCV000966409.10), dbSNP rs759939229, ClinGen allele CA7725118.
Genomic context (GRCh38, chr15:89,333,353, plus strand): 5'-GGCCGCCTCCAGGTAGGGCAGGCTCTGCTTCTGGGCCAGGAGGCGGAAGTGCTGGTCCAG[G>C]TTGTCCCCGTAGAGGGGCGGCAGGCGCAGCTCCACGTCGGGCAAGGGCACGGCTGGCTGC-3'
Protein context (NP_002684.1, residues 124-144): ELRLPPLYGD[Asn134Lys]LDQHFRLLAQ

ClinVar aggregate classification (germline): Uncertain significance. Review status: criteria provided, multiple submitters, no conflicts (2 of 4 stars). 4 submissions from 4 submitters: Uncertain significance (4). Last evaluated 2025-11-05.

Conditions:
POLG-related disorder. Also called: POLG-Related Spectrum Disorders; POLG-related condition; POLG-Related Disorders. Identifiers: MedGen C4763519.
Progressive sclerosing poliodystrophy (MTDPS4A). Also called: Mitochondrial DNA depletion syndrome 4A (Alpers type); Mitochondrial DNA Depletion Syndrome 4A; Alpers Syndrome; ALPERS DIFFUSE DEGENERATION OF CEREBRAL GRAY MATTER WITH HEPATIC CIRRHOSIS; Alpers-Huttenlocher Syndrome; Alpers-Huttenlocher Syndrome (AHS). Identifiers: Orphanet 726, MedGen C0205710, MONDO:0008758, OMIM 203700.
Sensory ataxic neuropathy, dysarthria, and ophthalmoparesis (SANDO). Also called: Sensory ataxic neuropathy-dysarthria-ophthalmoparesis syndrome; Ataxia Neuropathy Spectrum (ANS); Epilepsy, progressive myoclonic, type 5; SENSORY ATAXIC NEUROPATHY WITH MITOCHONDRIAL DNA DELETIONS, AUTOSOMAL RECESSIVE. Identifiers: Orphanet 70595, MedGen C1843851, MONDO:0011835, OMIM 607459.
Progressive external ophthalmoplegia with mitochondrial DNA deletions, autosomal dominant 1 (PEOA1). Also called: PROGRESSIVE EXTERNAL OPHTHALMOPLEGIA, AUTOSOMAL DOMINANT 1; Autosomal Dominant Progressive External Ophthalmoplegia (adPEO). Identifiers: MedGen C1834846, MONDO:0024528, OMIM 157640.
Progressive external ophthalmoplegia with mitochondrial DNA deletions, autosomal recessive 1 (PEOB1). Also called: Autosomal Recessive Progressive External Ophthalmoplegia (arPEO); Progressive external ophthalmoplegia, autosomal recessive 1. Identifiers: Orphanet 254886, MedGen C4225153, MONDO:0009783, OMIM 258450.
Mitochondrial DNA depletion syndrome 1. Also called: Mitochondrial DNA depletion syndrome 1 (MNGIE type); Mitochondrial Neurogastrointestinal Encephalopathy Disease; MITOCHONDRIAL NEUROGASTROINTESTINAL ENCEPHALOPATHY SYNDROME, TYMP-RELATED; MNGIE, TYMP-RELATED; POLIP SYNDROME; POLYNEUROPATHY, OPHTHALMOPLEGIA, LEUKOENCEPHALOPATHY, AND INTESTINAL PSEUDOOBSTRUCTION. Identifiers: Orphanet 298, MedGen C4551995, MONDO:0011283, OMIM 603041.
Mitochondrial DNA depletion syndrome 4b. Also called: MNGIE, POLG-RELATED; Mitochondrial Neurogastrointestinal Encephalopathy Disease, POLG-Related. Identifiers: Orphanet 298, MedGen C3150914, MONDO:0013350, OMIM 613662.

Allele frequency attached by ClinVar (database versions not stated): gnomAD 0.00001; TOPMed 0.00001; gnomAD exomes 0.00002 and 0.00011; ExAC 0.00004.
gnomAD v4.1: 158 of 1,570,674 alleles (0.01%); highest among the groups gnomAD compares: Non-Finnish European, 0.013%; no homozygotes.

Submissions (4):

Labcorp Genetics (formerly Invitae), Labcorp
Classification: Uncertain significance for Progressive sclerosing poliodystrophy. Last evaluated: 2025-11-05. Review status: criteria provided, single submitter. Criteria: Invitae Variant Classification Sherloc (09022015). Collection method: clinical testing. Allele origin: germline.
Comment: This sequence change replaces asparagine, which is neutral and polar, with lysine, which is basic and polar, at codon 134 of the POLG protein (p.Asn134Lys). This variant is present in population databases (rs759939229, gnomAD 0.006%). This variant has not been reported in the literature in individuals affected with POLG-related conditions. ClinVar contains an entry for this variant (Variation ID: 966409). Invitae Evidence Modeling of protein sequence and biophysical properties (such as structural, functional, and spatial information, amino acid conservation, physicochemical variation, residue mobility, and thermodynamic stability) has been performed for this missense variant. However, the output from this modeling did not meet the statistical confidence thresholds required to predict the impact of this variant on POLG protein function. Experimental studies have shown that this missense change does not substantially affect POLG function (PMID: 27987238). In summary, the available evidence is currently insufficient to determine the role of this variant in disease. Therefore, it has been classified as a Variant of Uncertain Significance.

PreventionGenetics, part of Exact Sciences
Classification: Uncertain significance for POLG-related condition. Last evaluated: 2025-02-04. Review status: criteria provided, single submitter. Criteria: ACMG Guidelines, 2015. Collection method: clinical testing. Allele origin: germline.
Comment: The POLG c.402C>G variant is predicted to result in the amino acid substitution p.Asn134Lys. To our knowledge, this variant has not been reported in individuals with POLG-related disease. Functional studies indicate this variant does not significantly impair protein function (Kasahara et al. 2017. PubMed ID: 27987238). At this time, the clinical significance of this variant is uncertain.

GeneDx
Classification: Uncertain significance. Last evaluated: 2023-08-21. Review status: criteria provided, single submitter. Criteria: GeneDx Variant Classification Process June 2021. Collection method: clinical testing. Allele origin: germline. Affected: yes.
Comment: Observed in a healthy individual used as a control subject in a study evaluating POLG variants in bipolar disorder. Functional studies indicate comparable enzyme activity between N134K and wild-type (Kasahara et al., 2016); Not observed at significant frequency in large population cohorts (gnomAD); In silico analysis supports that this missense variant has a deleterious effect on protein structure/function; This variant is associated with the following publications: (PMID: 27987238)

Fulgent Genetics
Classification: Uncertain significance for Progressive external ophthalmoplegia with mitochondrial DNA deletions, autosomal dominant 1; Progressive sclerosing poliodystrophy; Progressive external ophthalmoplegia with mitochondrial DNA deletions, autosomal recessive 1; Mitochondrial DNA depletion syndrome 1; Sensory ataxic neuropathy, dysarthria, and ophthalmoparesis; Mitochondrial DNA depletion syndrome 4b. Last evaluated: 2021-07-27. Review status: criteria provided, single submitter. Criteria: ACMG Guidelines, 2015. Collection method: clinical testing. Allele origin: unknown.

Literature cited by the submitters: PubMed 27987238 (cited by Labcorp Genetics (formerly Invitae), Labcorp).